The following is an entry in ClinVar:

NM_032043.3(BRIP1):c.648G>A (p.Arg216=)

Gene: BRIP1 (BRCA1 interacting DNA helicase 1; minus strand). Cytogenetic location: 17q23.2.
Variant type: single nucleotide variant.
Coding change: c.648G>A on transcript NM_032043.3 (MANE Select); coding-DNA position 648, G replaced by A.
Protein change: p.Arg216=; no amino-acid change (arginine 216 retained).
Molecular consequence: synonymous variant.
Genome position (GRCh38, 1-based): chr17:61,808,737, C>T on the plus strand (G>A on the coding strand, the complement: BRIP1 is on the minus strand). VCF-style: chr17-61808737-C-T. GRCh37 (hg19) VCF-style: chr17-59886098-C-T.
Identifiers: ClinVar variation 1753821 (VCV001753821.5), dbSNP rs202035881, ClinGen allele CA8690867.

ClinVar aggregate classification (germline): Conflicting classifications of pathogenicity. Review status: criteria provided, conflicting classifications (1 of 4 stars). 2 submissions from 2 submitters: Uncertain significance (1); Likely benign (1). Last evaluated 2023-06-16.

Conditions:
Fanconi anemia complementation group J. Also called: BRIP1-Related Fanconi Anemia. Identifiers: Orphanet 84, MedGen C1836860, MONDO:0012187, OMIM 609054.
Familial cancer of breast. Also called: BREAST CANCER, FAMILIAL; Hereditary breast cancer; hereditary breast carcinoma. Identifiers: Orphanet 227535, MedGen C0346153, MONDO:0016419, OMIM 114480. Disease mechanism: loss of function.
Hereditary cancer-predisposing syndrome. Also called: Neoplastic Syndromes, Hereditary; Tumor predisposition; Hereditary neoplastic syndrome; Hereditary Cancer Syndrome. Identifiers: Orphanet 140162, MedGen C0027672, MeSH D009386, MONDO:0015356.

Allele frequency attached by ClinVar (database versions not stated): gnomAD exomes below 0.00001; ExAC 0.00002; 1000 Genomes Project 30x 0.00016; 1000 Genomes Project 0.00020.
gnomAD v4.1: 3 of 1,613,268 alleles (0.00019%); highest among the groups gnomAD compares: Admixed American, 0.0017%; no homozygotes.

Submissions (2):

Labcorp Genetics (formerly Invitae), Labcorp
Classification: Uncertain significance for Familial cancer of breast; Fanconi anemia complementation group J. Last evaluated: 2023-06-16. Review status: criteria provided, single submitter. Criteria: Invitae Variant Classification Sherloc (09022015). Collection method: clinical testing. Allele origin: germline.
Comment: Algorithms developed to predict the effect of sequence changes on RNA splicing suggest that this variant may disrupt the consensus splice site. In summary, the available evidence is currently insufficient to determine the role of this variant in disease. Therefore, it has been classified as a Variant of Uncertain Significance. ClinVar contains an entry for this variant (Variation ID: 1753821). This variant has not been reported in the literature in individuals affected with BRIP1-related conditions. This variant is not present in population databases (gnomAD no frequency). This sequence change affects codon 216 of the BRIP1 mRNA. It is a 'silent' change, meaning that it does not change the encoded amino acid sequence of the BRIP1 protein.

Ambry Genetics
Classification: Likely benign for Hereditary cancer-predisposing syndrome. Last evaluated: 2021-04-25. Review status: criteria provided, single submitter. Criteria: Ambry Variant Classification Scheme 2023. Collection method: clinical testing. Allele origin: germline.